The following is an entry in ClinVar:

NM_001126108.2(SLC12A3):c.51C>A (p.Ser17Arg)

Gene: SLC12A3 (solute carrier family 12 member 3; plus strand). Cytogenetic location: 16q13.
Variant type: single nucleotide variant.
Coding change: c.51C>A on transcript NM_001126108.2 (MANE Select); coding-DNA position 51, C replaced by A.
Protein change: p.Ser17Arg; replaces serine 17 with arginine.
Molecular consequence: missense variant.
Genome position (GRCh38, 1-based): chr16:56,865,286, C>A. VCF-style: chr16-56865286-C-A. GRCh37 (hg19) VCF-style: chr16-56899198-C-A.
Other names: c.51C>A, p.Ser17Arg (NM_000339.3, NM_001126107.2, NM_001410896.1); c.51C>A (NM_000339.2); short protein forms S17R.
Identifiers: ClinVar variation 2148886 (VCV002148886.3), dbSNP rs369795019, ClinGen allele CA8068898.

ClinVar aggregate classification (germline): Uncertain significance. Review status: criteria provided, multiple submitters, no conflicts (2 of 4 stars). 3 submissions from 3 submitters: Uncertain significance (3). Last evaluated 2024-04-01.

Conditions:
Familial hypokalemia-hypomagnesemia (GTLMNS). Also called: HYPOMAGNESEMIA-HYPOKALEMIA, PRIMARY RENOTUBULAR, WITH HYPOCALCIURIA; POTASSIUM AND MAGNESIUM DEPLETION; gitelman syndrome. Identifiers: Orphanet 358, MedGen C0268450, MONDO:0009904, OMIM 263800.
Inborn genetic diseases. Identifiers: MedGen C0950123, MeSH D030342.

Allele frequency attached by ClinVar (database versions not stated): 1000 Genomes Project 30x 0.00031; ESP Exome Variant Server 0.00015.
gnomAD v4.1: 44 of 1,613,924 alleles (0.0027%); highest among the groups gnomAD compares: African/African-American, 0.059%; no homozygotes.

Submissions (3):

Fulgent Genetics
Classification: Uncertain significance for Familial hypokalemia-hypomagnesemia. Last evaluated: 2024-04-01. Review status: criteria provided, single submitter. Criteria: ACMG Guidelines, 2015. Collection method: clinical testing. Allele origin: germline.

Labcorp Genetics (formerly Invitae), Labcorp
Classification: Uncertain significance. Last evaluated: 2022-04-22. Review status: criteria provided, single submitter. Criteria: Invitae Variant Classification Sherloc (09022015). Collection method: clinical testing. Allele origin: germline.
Comment: This sequence change replaces serine, which is neutral and polar, with arginine, which is basic and polar, at codon 17 of the SLC12A3 protein (p.Ser17Arg). This variant is present in population databases (rs369795019, gnomAD 0.05%). This variant has not been reported in the literature in individuals affected with SLC12A3-related conditions. Advanced modeling of protein sequence and biophysical properties (such as structural, functional, and spatial information, amino acid conservation, physicochemical variation, residue mobility, and thermodynamic stability) performed at Invitae indicates that this missense variant is not expected to disrupt SLC12A3 protein function. In summary, the available evidence is currently insufficient to determine the role of this variant in disease. Therefore, it has been classified as a Variant of Uncertain Significance.

Ambry Genetics
Classification: Uncertain significance for Inborn genetic diseases. Last evaluated: 2021-01-27. Review status: criteria provided, single submitter. Criteria: Ambry Variant Classification Scheme 2023. Collection method: clinical testing. Allele origin: germline.
Comment: The c.51C>A (p.S17R) alteration is located in exon 1 (coding exon 1) of the SLC12A3 gene. This alteration results from a C to A substitution at nucleotide position 51, causing the serine (S) at amino acid position 17 to be replaced by an arginine (R). The p.S17R alteration is predicted to be tolerated by in silico analysis. Based on insufficient or conflicting evidence, the clinical significance of this alteration remains unclear.